The following is an entry in ClinVar:

NM_001903.5(CTNNA1):c.1361C>A (p.Ala454Glu)

Gene: CTNNA1 (catenin alpha 1; plus strand). Cytogenetic location: 5q31.2.
Variant type: single nucleotide variant.
Coding change: c.1361C>A on transcript NM_001903.5 (MANE Select); coding-DNA position 1361, C replaced by A.
Protein change: p.Ala454Glu; replaces alanine 454 with glutamic acid.
Molecular consequence: missense variant. On other transcripts: 5 prime UTR variant (4), intron variant (3).
Genome position (GRCh38, 1-based): chr5:138,904,413, C>A. VCF-style: chr5-138904413-C-A. GRCh37 (hg19) VCF-style: chr5-138240102-C-A.
Other names: c.1361C>A (NM_001903.2); c.1361C>A, p.Ala454Glu (NM_001290307.3, NM_001323982.2, NM_001323983.1 and 2 more transcripts); c.1052C>A, p.Ala351Glu (NM_001290309.3); c.992C>A, p.Ala331Glu (NM_001290310.3); c.251C>A, p.Ala84Glu (NM_001290312.1, NM_001323987.1, NM_001323988.1 and 17 more transcripts); c.-147C>A (NM_001324006.1, NM_001324007.1, NM_001324008.1 and 1 more transcripts); c.8C>A, p.Ala3Glu (NM_001324012.1, NM_001324013.1); c.1297-13329C>A (NM_001323986.2); and 2 more; short protein forms A331E, A351E, A3E, A454E, A84E.
Identifiers: ClinVar variation 1018603 (VCV001018603.10), dbSNP rs777109167, ClinGen allele CA361135994.

ClinVar aggregate classification (germline): Uncertain significance. Review status: criteria provided, multiple submitters, no conflicts (2 of 4 stars). 3 submissions from 3 submitters: Uncertain significance (3). Last evaluated 2025-06-15.

Conditions:
Hereditary cancer-predisposing syndrome. Also called: Tumor predisposition; Neoplastic Syndromes, Hereditary; Hereditary neoplastic syndrome; Hereditary Cancer Syndrome. Identifiers: Orphanet 140162, MedGen C0027672, MeSH D009386, MONDO:0015356.
Patterned macular dystrophy 2. Identifiers: Orphanet 99001, MedGen C1837029, MONDO:0012162, OMIM 608970.

Submissions (3):

Ambry Genetics
Classification: Uncertain significance for Hereditary cancer-predisposing syndrome. Last evaluated: 2025-06-15. Review status: criteria provided, single submitter. Criteria: Ambry Variant Classification Scheme 2023. Collection method: clinical testing. Allele origin: germline.
Comment: The p.A454E variant (also known as c.1361C>A), located in coding exon 9 of the CTNNA1 gene, results from a C to A substitution at nucleotide position 1361. The alanine at codon 454 is replaced by glutamic acid, an amino acid with dissimilar properties. This amino acid position is conserved. In addition, this alteration is predicted to be deleterious by in silico analysis. Based on the available evidence, the clinical significance of this variant remains unclear.

Baylor Genetics
Classification: Uncertain significance for Patterned macular dystrophy 2. Last evaluated: 2023-05-11. Review status: criteria provided, single submitter. Criteria: ACMG Guidelines, 2015. Collection method: clinical testing. Allele origin: unknown.

Labcorp Genetics (formerly Invitae), Labcorp
Classification: Uncertain significance. Last evaluated: 2022-07-12. Review status: criteria provided, single submitter. Criteria: Invitae Variant Classification Sherloc (09022015). Collection method: clinical testing. Allele origin: germline.
Comment: This sequence change replaces alanine, which is neutral and non-polar, with glutamic acid, which is acidic and polar, at codon 454 of the CTNNA1 protein (p.Ala454Glu). This variant is not present in population databases (gnomAD no frequency). This variant has not been reported in the literature in individuals affected with CTNNA1-related conditions. ClinVar contains an entry for this variant (Variation ID: 1018603). Algorithms developed to predict the effect of missense changes on protein structure and function are either unavailable or do not agree on the potential impact of this missense change (SIFT: "Deleterious"; PolyPhen-2: "Probably Damaging"; Align-GVGD: "Class C0"). In summary, the available evidence is currently insufficient to determine the role of this variant in disease. Therefore, it has been classified as a Variant of Uncertain Significance.